The following is an entry in ClinVar:

NM_001256545.2(MEGF10):c.1750C>A (p.Pro584Thr)

Gene: MEGF10 (multiple EGF like domains 10; plus strand). Cytogenetic location: 5q23.2.
Variant type: single nucleotide variant.
Coding change: c.1750C>A on transcript NM_001256545.2 (MANE Select); coding-DNA position 1750, C replaced by A.
Protein change: p.Pro584Thr; replaces proline 584 with threonine.
Molecular consequence: missense variant.
Genome position (GRCh38, 1-based): chr5:127,433,419, C>A. VCF-style: chr5-127433419-C-A. GRCh37 (hg19) VCF-style: chr5-126769111-C-A.
Other names: c.1750C>A, p.Pro584Thr (NM_032446.3); short protein forms P584T.
Identifiers: ClinVar variation 904163 (VCV000904163.8), dbSNP rs148212621, ClinGen allele CA3391712.

ClinVar aggregate classification (germline): Uncertain significance. Review status: criteria provided, multiple submitters, no conflicts (2 of 4 stars). 2 submissions from 2 submitters: Uncertain significance (2). Last evaluated 2021-08-27.

Conditions:
MEGF10-related myopathy (CMYO10A). Also called: Congenital myopathy 10A, severe variant. Identifiers: Orphanet 439212, MedGen C3280679, MONDO:0013731, OMIM 614399.

Allele frequency attached by ClinVar (database versions not stated): gnomAD 0.00001; TOPMed 0.00002; gnomAD exomes 0.00004 and 0.00009; ESP Exome Variant Server 0.00008; ExAC 0.00017.
gnomAD v4.1: 62 of 1,613,988 alleles (0.0038%); highest among the groups gnomAD compares: Non-Finnish European, 0.0046%; 1 homozygote.

Submissions (2):

Labcorp Genetics (formerly Invitae), Labcorp
Classification: Uncertain significance for MEGF10-related myopathy. Last evaluated: 2021-08-27. Review status: criteria provided, single submitter. Criteria: Invitae Variant Classification Sherloc (09022015). Collection method: clinical testing. Allele origin: germline.
Comment: This sequence change replaces proline with threonine at codon 584 of the MEGF10 protein (p.Pro584Thr). The proline residue is moderately conserved and there is a small physicochemical difference between proline and threonine. This variant is present in population databases (rs148212621, ExAC 0.03%). This variant has not been reported in the literature in individuals affected with MEGF10-related conditions. ClinVar contains an entry for this variant (Variation ID: 904163). Algorithms developed to predict the effect of missense changes on protein structure and function are either unavailable or do not agree on the potential impact of this missense change (SIFT: "Deleterious"; PolyPhen-2: "Benign"; Align-GVGD: "Class C0"). In summary, the available evidence is currently insufficient to determine the role of this variant in disease. Therefore, it has been classified as a Variant of Uncertain Significance.

Illumina Laboratory Services, Illumina
Classification: Uncertain significance for MEGF10-related myopathy. Last evaluated: 2018-01-12. Review status: criteria provided, single submitter. Criteria: ICSL Variant Classification Criteria 13 December 2019. Collection method: clinical testing. Allele origin: germline.